The following is an entry in ClinVar:

ClinVar aggregate classification (germline): Uncertain significance. Review status: criteria provided, multiple submitters, no conflicts (2 of 4 stars). 2 submissions from 2 submitters: Uncertain significance (2). Last evaluated 2025-03-04.

Allele frequency attached by ClinVar (database versions not stated): gnomAD 0.00002; TOPMed 0.00003; ExAC 0.00001; gnomAD exomes 0.00001.

Submissions (2):

GeneDx
Classification: Uncertain significance. Last evaluated: 2025-03-04. Review status: criteria provided, single submitter. Criteria: GeneDx Variant Classification Process June 2021. Collection method: clinical testing. Allele origin: germline. Affected: yes.
Comment: Not observed at significant frequency in large population cohorts (gnomAD); In silico analysis supports that this missense variant has a deleterious effect on protein structure/function; Has not been previously published as pathogenic or benign to our knowledge

Labcorp Genetics (formerly Invitae), Labcorp
Classification: Uncertain significance. Last evaluated: 2022-02-03. Review status: criteria provided, single submitter. Criteria: Invitae Variant Classification Sherloc (09022015). Collection method: clinical testing. Allele origin: germline.
Comment: In summary, the available evidence is currently insufficient to determine the role of this variant in disease. Therefore, it has been classified as a Variant of Uncertain Significance. Algorithms developed to predict the effect of missense changes on protein structure and function are either unavailable or do not agree on the potential impact of this missense change (SIFT: "Deleterious"; PolyPhen-2: "Probably Damaging"; Align-GVGD: "Class C0"). This variant has not been reported in the literature in individuals affected with HARS2-related conditions. The frequency data for this variant in the population databases is considered unreliable, as metrics indicate poor data quality at this position in the gnomAD database. This sequence change replaces arginine, which is basic and polar, with tryptophan, which is neutral and slightly polar, at codon 492 of the HARS2 protein (p.Arg492Trp).

NM_012208.4(HARS2):c.1474C>T (p.Arg492Trp)

Gene: HARS2 (histidyl-tRNA synthetase 2, mitochondrial; plus strand). Cytogenetic location: 5q31.3.
Variant type: single nucleotide variant.
Coding change: c.1474C>T on transcript NM_012208.4 (MANE Select); coding-DNA position 1474, C replaced by T.
Protein change: p.Arg492Trp; replaces arginine 492 with tryptophan.
Molecular consequence: missense variant.
Genome position (GRCh38, 1-based): chr5:140,698,505, C>T. VCF-style: chr5-140698505-C-T. GRCh37 (hg19) VCF-style: chr5-140078090-C-T.
Other names: c.1474C>T (NM_012208.2); c.1399C>T, p.Arg467Trp (NM_001278731.2); c.1042C>T, p.Arg348Trp (NM_001278732.2); c.1492C>T, p.Arg498Trp (NM_001363535.2); c.1264C>T, p.Arg422Trp (NM_001363536.2); short protein forms R498W, R422W, R348W, R467W, R492W.
Identifiers: ClinVar variation 1461814 (VCV001461814.6), dbSNP rs752851001, ClinGen allele CA3444733.